The following is an entry in ClinVar:

NM_000268.4(NF2):c.1753G>T (p.Ala585Ser)

Gene: NF2 (NF2, moesin-ezrin-radixin like (MERLIN) tumor suppressor; plus strand). Cytogenetic location: 22q12.2.
Variant type: single nucleotide variant.
Coding change: c.1753G>T on transcript NM_000268.4 (MANE Select); coding-DNA position 1753, G replaced by T.
Protein change: p.Ala585Ser; replaces alanine 585 with serine.
Molecular consequence: missense variant. On other transcripts: 3 prime UTR variant (5), non-coding transcript variant (1).
Genome position (GRCh38, 1-based): chr22:29,694,767, G>T. VCF-style: chr22-29694767-G-T. GRCh37 (hg19) VCF-style: chr22-30090756-G-T.
Other names: c.*25G>T (NM_016418.5, NM_181828.3, NM_181829.3 and 1 more transcripts); c.*40G>T (NM_181832.3); c.463G>T, p.Ala155Ser (NM_181833.3); short protein forms A585S, A155S.
Identifiers: ClinVar variation 933328 (VCV000933328.12), dbSNP rs145446060, ClinGen allele CA411152193.
Genomic context (GRCh38, chr22:29,694,767, plus strand): 5'-GCGGAGGTCTTGTGCCCTCTCAGCTTCTTCTCTGCTTTCTTACAGCTCACCTTGCAGAGC[G>T]CCAAGTCCCGAGTGGCCTTCTTTGAAGAGCTCTAGCAGGTGACCCAGCCACCCCAGGACC-3'
Protein context (NP_000259.1, residues 575-595): NTIKKLTLQS[Ala585Ser]KSRVAFFEEL

ClinVar aggregate classification (germline): Uncertain significance. Review status: criteria provided, multiple submitters, no conflicts (2 of 4 stars). 3 submissions from 3 submitters: Uncertain significance (3). Last evaluated 2025-07-05.

Conditions:
Hereditary cancer-predisposing syndrome. Also called: Neoplastic Syndromes, Hereditary; Tumor predisposition; Hereditary Cancer Syndrome; Hereditary neoplastic syndrome. Identifiers: Orphanet 140162, MedGen C0027672, MeSH D009386, MONDO:0015356.
Neurofibromatosis, type 2 (SWNV). Also called: BILATERAL ACOUSTIC NEUROFIBROMATOSIS; SCHWANNOMATOSIS, VESTIBULAR; NF2-Related Schwannomatosis. Identifiers: Orphanet 637, MedGen C0027832, MONDO:0007039, OMIM 101000. Disease mechanism: loss of function.

gnomAD v4.1: 1 of 1,613,586 alleles (0.000062%); highest among the groups gnomAD compares: Non-Finnish European, 0.000085%; no homozygotes.

Submissions (3):

Color Diagnostics, LLC DBA Color Health
Classification: Uncertain significance for Neurofibromatosis, type 2. Last evaluated: 2025-07-05. Review status: criteria provided, single submitter. Criteria: ACMG Guidelines, 2015. Collection method: clinical testing. Allele origin: germline.
Comment: This missense variant replaces alanine with serine at codon 585 of the NF2 protein. Computational prediction suggests that this variant may not impact protein structure and function. To our knowledge, functional studies have not been reported for this variant. This variant has not been reported in individuals affected with NF2-related disorders in the literature. This variant has not been identified in the general population by the Genome Aggregation Database (gnomAD). The available evidence is insufficient to determine the role of this variant in disease conclusively. Therefore, this variant is classified as a Variant of Uncertain Significance.

Ambry Genetics
Classification: Uncertain significance for Hereditary cancer-predisposing syndrome. Last evaluated: 2023-12-07. Review status: criteria provided, single submitter. Criteria: Ambry Variant Classification Scheme 2023. Collection method: clinical testing. Allele origin: germline.
Comment: The p.A585S variant (also known as c.1753G>T), located in coding exon 16 of the NF2 gene, results from a G to T substitution at nucleotide position 1753. The alanine at codon 585 is replaced by serine, an amino acid with similar properties. This amino acid position is well conserved in available vertebrate species. In addition, this alteration is predicted to be tolerated by in silico analysis. Since supporting evidence is limited at this time, the clinical significance of this alteration remains unclear.

Labcorp Genetics (formerly Invitae), Labcorp
Classification: Uncertain significance for Neurofibromatosis, type 2. Last evaluated: 2023-11-21. Review status: criteria provided, single submitter. Criteria: Invitae Variant Classification Sherloc (09022015). Collection method: clinical testing. Allele origin: germline.
Comment: This sequence change replaces alanine, which is neutral and non-polar, with serine, which is neutral and polar, at codon 585 of the NF2 protein (p.Ala585Ser). This variant is not present in population databases (gnomAD no frequency). This variant has not been reported in the literature in individuals affected with NF2-related conditions. ClinVar contains an entry for this variant (Variation ID: 933328). Advanced modeling of protein sequence and biophysical properties (such as structural, functional, and spatial information, amino acid conservation, physicochemical variation, residue mobility, and thermodynamic stability) performed at Invitae indicates that this missense variant is not expected to disrupt NF2 protein function with a negative predictive value of 80%. In summary, the available evidence is currently insufficient to determine the role of this variant in disease. Therefore, it has been classified as a Variant of Uncertain Significance.